The following is an entry in ClinVar:

ClinVar aggregate classification (germline): Uncertain significance. Review status: criteria provided, single submitter (1 of 4 stars). 3 submissions from 3 submitters: Uncertain significance (1). 2 of the submissions do not count toward it. Last evaluated 2021-08-10.

Conditions:
Polycystic kidney disease, adult type (PKD1). Also called: POLYCYSTIC KIDNEY DISEASE, ADULT, TYPE I; Polycystic Kidney Disease 1, Autosomal Dominant; Polycystic kidney disease 1; Polycystic kidney disease 1, severe; Polycystic Kidney, Autosomal Dominant; POLYCYSTIC KIDNEY DISEASE 1 WITH OR WITHOUT POLYCYSTIC LIVER DISEASE. Identifiers: MedGen C3149841, MONDO:0008263, OMIM 173900.
Polycystic kidney disease. Also called: Polycystic kidney dysplasia; Kidney, Polycystic. Identifiers: MedGen C0022680, MeSH D007690, MONDO:0020642, HP:0000113.
PKD1-related disorder. Also called: PKD1-related condition.

Allele frequency attached by ClinVar (database versions not stated): ESP Exome Variant Server 0.00008; gnomAD exomes 0.00009 and 0.00013; TOPMed 0.00009; ExAC 0.00013; 1000 Genomes Project 30x 0.00016; gnomAD 0.00017 and 0.00018; 1000 Genomes Project 0.00020.

Submissions (3):

Fulgent Genetics
Classification: Uncertain significance for Polycystic kidney disease, adult type. Last evaluated: 2021-08-10. Review status: criteria provided, single submitter. Criteria: ACMG Guidelines, 2015. Collection method: clinical testing. Allele origin: unknown.

PreventionGenetics, part of Exact Sciences
Classification: Uncertain significance for PKD1-related condition. Last evaluated: 2024-08-05. Review status: no assertion criteria provided. Collection method: clinical testing. Allele origin: germline. Not counted in ClinVar's aggregate classification.
Comment: The PKD1 c.8294G>A variant is predicted to result in the amino acid substitution p.Arg2765His. This variant was reported in an individual with autosomal dominant polycystic kidney disease (ADPKD) (Kim et al. 2019. PubMed ID: 31740684, Supplementary Table S6C). Of note, a different substitution at the same codon (p.Arg2765Cys) has been reported to be a likely hypomorphic allele for ADPKD (Rossetti et al. 2009. PubMed ID: 19165178; Gonzalez-Paredes et al. 2014. PubMed ID: 24907393). By itself, this type of variant, acting as an incompletely penetrant PKD1 allele, may cause no disease or only relatively mild disease. However, in combination with other pathogenic variants, it may contribute to disease severity such as very early onset polycystic kidney disease (VEO-PKD). The c.8294G>A (p.Arg2765His) variant found in this patient is reported in 0.059% of alleles in individuals of Ashkenazi Jewish descent in gnomAD. Therefore, this variant could also be a hypomorphic allele for ADPKD. At this time, however, the clinical significance of this variant is uncertain due to the absence of conclusive functional and genetic evidence.

Department of Pathology and Laboratory Medicine, Sinai Health System
Classification: Uncertain significance for Polycystic Kidney disease. Review status: no assertion criteria provided. Collection method: clinical testing. Allele origin: unknown. Affected: yes. Study: The Canadian Open Genetics Repository (COGR). Not counted in ClinVar's aggregate classification.
Comment: The PKD1 p.Arg2765His variant was identified in 1of 98 proband chromosomes (frequency: 0.01) from individuals or families with ADPKD and classified as a polymorphic variant based on in silico analysis tools (Liu 2015). The variant was also identified in dbSNP (ID: rs375198888) as â€šÃ„ÃºN/Aâ€šÃ„Ã¹, the 1000 Genomes Project in 1 of 5000 chromosomes (frequency: 0.0002), the NHLBI GO Exome Sequencing Project in 1 of 8552 European American alleles, the Exome Aggregation Consortium database (August 8th 2016) in 15 of 115966 chromosomes (freq. 0.0001) in the following populations: East Asian in 6 of 8508 chromosomes (freq. 0.001), European in 6 of 63314 chromosomes (freq. 0.0001), South Asian in 2 of 16454 chromosomes (freq. 0.0001), Latino in 1 of 11382 chromosomes (freq. 0.0001), but was not present in African, Finnish or Other population, increasing the likelihood this could be a low frequency benign variant. In addition we cannot be certain that data from control databases is specific to PKD1 and not from one of the six PKD1 pseudogenes. The variant was not found in Clinvitae, ClinVar, GeneInsight COGR, MutDB, ADPKD Mutation Database, PKD1-LOVD and PKD1-LOVD 3.0 databases. The p.Arg2765 residue is not conserved in mammals and computational analyses (PolyPhen-2, SIFT, AlignGVGD, BLOSUM, MutationTaster) do not suggest a high likelihood of impact to the protein; however, this information is not predictive enough to rule out pathogenicity. The variant occurs outside of the splicing consensus sequence and in silico or computational prediction software programs (SpliceSiteFinder, MaxEntScan, NNSPLICE, GeneSplicer, HumanSpliceFinder) do not predict a difference in splicing. In summary, based on the above information, the clinical significance of this variant cannot be determined with certainty at this time. This variant is classified as a variant of uncertain significance.

NM_001009944.3(PKD1):c.8294G>A (p.Arg2765His)

Gene: PKD1 (polycystin 1, transient receptor potential channel interacting; minus strand). Cytogenetic location: 16p13.3.
Variant type: single nucleotide variant.
Coding change: c.8294G>A on transcript NM_001009944.3 (MANE Select); coding-DNA position 8294, G replaced by A.
Protein change: p.Arg2765His; replaces arginine 2765 with histidine.
Molecular consequence: missense variant.
Genome position (GRCh38, 1-based): chr16:2,103,763, C>T on the plus strand (G>A on the coding strand, the complement: PKD1 is on the minus strand). VCF-style: chr16-2103763-C-T. GRCh37 (hg19) VCF-style: chr16-2153764-C-T.
Other names: c.8294G>A (NM_001009944.2); c.8294G>A, p.Arg2765His (NM_000296.4); short protein forms R2765H.
Identifiers: ClinVar variation 997196 (VCV000997196.3), dbSNP rs375198888, ClinGen allele CA7830573.